The following is an entry in ClinVar:

ClinVar aggregate classification (germline): Likely benign. Review status: criteria provided, single submitter (1 of 4 stars). 2 submissions from 2 submitters: Likely benign (1). 1 of the submissions does not count toward it. Last evaluated 2026-01-08.

Conditions:
RFWD3-related disorder. Also called: RFWD3-related condition.

Allele frequency attached by ClinVar (database versions not stated): ExAC 0.00027; ESP Exome Variant Server 0.00062.
gnomAD v4.1: 481 of 1,613,592 alleles (0.03%); highest among the groups gnomAD compares: Non-Finnish European, 0.037%; no homozygotes.

Submissions (2):

Labcorp Genetics (formerly Invitae), Labcorp
Classification: Likely benign. Last evaluated: 2026-01-08. Review status: criteria provided, single submitter. Criteria: Invitae Variant Classification Sherloc (09022015). Collection method: clinical testing. Allele origin: germline.

PreventionGenetics, part of Exact Sciences
Classification: Likely benign for RFWD3-related condition. Last evaluated: 2024-01-15. Review status: no assertion criteria provided. Collection method: clinical testing. Allele origin: germline. Not counted in ClinVar's aggregate classification.
Comment: This variant is classified as likely benign based on ACMG/AMP sequence variant interpretation guidelines (Richards et al. 2015 PMID: 25741868, with internal and published modifications).

NM_018124.4(RFWD3):c.1695G>A (p.Leu565=)

Gene: RFWD3 (ring finger and WD repeat domain 3; minus strand). Cytogenetic location: 16q23.1.
Variant type: single nucleotide variant.
Coding change: c.1695G>A on transcript NM_018124.4 (MANE Select); coding-DNA position 1695, G replaced by A.
Protein change: p.Leu565=; no amino-acid change (leucine 565 retained).
Molecular consequence: synonymous variant. On other transcripts: intron variant (1).
Genome position (GRCh38, 1-based): chr16:74,630,840, C>T on the plus strand (G>A on the coding strand, the complement: RFWD3 is on the minus strand). VCF-style: chr16-74630840-C-T. GRCh37 (hg19) VCF-style: chr16-74664738-C-T.
Other names: c.1695G>A, p.Leu565= (NM_001370534.1, NM_001370535.1); c.861G>A, p.Leu287= (NM_001370537.1, NM_001370539.1, NM_001370540.1 and 3 more transcripts); c.1577+1683G>A (NM_001370536.1); c.1695G>A (NM_018124.3).
Identifiers: ClinVar variation 2061261 (VCV002061261.6), dbSNP rs138396009, ClinGen allele CA8169108.